The following is an entry in ClinVar:

NM_006648.4(WNK2):c.4052A>G (p.Asp1351Gly)

Gene: WNK2 (WNK lysine deficient protein kinase 2; plus strand). Cytogenetic location: 9q22.31.
Variant type: single nucleotide variant.
Coding change: c.4052A>G on transcript NM_006648.4 (MANE Select); coding-DNA position 4052, A replaced by G.
Protein change: p.Asp1351Gly; replaces aspartic acid 1351 with glycine.
Molecular consequence: missense variant.
Genome position (GRCh38, 1-based): chr9:93,288,806, A>G. VCF-style: chr9-93288806-A-G. GRCh37 (hg19) VCF-style: chr9-96051088-A-G.
Other names: c.4163A>G, p.Asp1388Gly (NM_001282394.3); short protein forms D1351G, D1388G.
Identifiers: ClinVar variation 4842111 (VCV004842111.1).

ClinVar aggregate classification (germline): Uncertain significance (1 of 4 stars; one submission).

gnomAD v4.1: 2 of 1,611,736 alleles (0.00012%); highest among the groups gnomAD compares: Non-Finnish European, 0.00017%; no homozygotes.

Submission:

Ambry Genetics
Classification: Uncertain significance. Last evaluated: 2025-12-27. Review status: criteria provided, single submitter. Criteria: Ambry Variant Classification Scheme 2023. Collection method: clinical testing. Allele origin: germline.
Comment: The p.D1351G variant (also known as c.4052A>G), located in coding exon 19 of the WNK2 gene, results from an A to G substitution at nucleotide position 4052. The aspartic acid at codon 1351 is replaced by glycine, an amino acid with similar properties. This amino acid position is conserved. In addition, this alteration is predicted to be tolerated by in silico analysis. Based on the available evidence, the clinical significance of this variant remains unclear.